The following is an entry in ClinVar:

ClinVar aggregate classification (germline): Benign/Likely benign. Review status: criteria provided, multiple submitters, no conflicts (2 of 4 stars). 3 submissions from 3 submitters: Benign (1); Likely benign (2). Last evaluated 2025-11-03.

Conditions:
Congenital contractural arachnodactyly (CCA). Also called: BEALS SYNDROME; Arthrogryposis, distal, type 9; Beals-Hecht syndrome. Identifiers: Orphanet 115, MedGen C0220668, MONDO:0007363, OMIM 121050.

Allele frequency attached by ClinVar (database versions not stated): gnomAD 0.00001 and 0.00002; TOPMed 0.00001; gnomAD exomes 0.00016; ExAC 0.00017.
gnomAD v4.1: 162 of 1,613,210 alleles (0.01%); highest among the groups gnomAD compares: South Asian, 0.16%; 2 homozygotes.

Submissions (3):

Labcorp Genetics (formerly Invitae), Labcorp
Classification: Benign for Congenital contractural arachnodactyly. Last evaluated: 2025-11-03. Review status: criteria provided, single submitter. Criteria: Invitae Variant Classification Sherloc (09022015). Collection method: clinical testing. Allele origin: germline.

Blueprint Genetics
Classification: Likely benign. Last evaluated: 2024-01-15. Review status: criteria provided, single submitter. Criteria: ACMG Guidelines, 2015. Collection method: clinical testing. Allele origin: germline.

GeneDx
Classification: Likely benign. Last evaluated: 2018-04-02. Review status: criteria provided, single submitter. Criteria: GeneDx Variant Classification (06012015). Collection method: clinical testing. Allele origin: germline. Affected: yes.
Comment: This variant is considered likely benign or benign based on one or more of the following criteria: it is a conservative change, it occurs at a poorly conserved position in the protein, it is predicted to be benign by multiple in silico algorithms, and/or has population frequency not consistent with disease.

NM_001999.4(FBN2):c.2429-11G>A

Gene: FBN2 (fibrillin 2; minus strand). Cytogenetic location: 5q23.3.
Variant type: single nucleotide variant.
Coding change: c.2429-11G>A on transcript NM_001999.4 (MANE Select); 11 bases into the intron before coding-DNA position 2429, G replaced by A.
Molecular consequence: intron variant.
Genome position (GRCh38, 1-based): chr5:128,361,859, C>T on the plus strand (G>A on the coding strand, the complement: FBN2 is on the minus strand). VCF-style: chr5-128361859-C-T. GRCh37 (hg19) VCF-style: chr5-127697552-C-T.
Identifiers: ClinVar variation 680878 (VCV000680878.10), dbSNP rs201849584, ClinGen allele CA3395541.